The following is an entry in ClinVar:

ClinVar aggregate classification (germline): Benign (1 of 4 stars; one submission).

Allele frequency attached by ClinVar (database versions not stated): gnomAD 0.07808; TOPMed 0.07874; 1000 Genomes Project 0.08047; 1000 Genomes Project 30x 0.08323.
gnomAD v4.1: 11,629 of 152,194 alleles (7.6%); highest among the groups gnomAD compares: African/African-American, 17%; 774 homozygotes.

Submission:

GeneDx
Classification: Benign. Last evaluated: 2018-06-16. Review status: criteria provided, single submitter. Criteria: GeneDx Variant Classification (06012015). Collection method: clinical testing. Allele origin: germline. Affected: yes.
Comment: This variant is considered likely benign or benign based on one or more of the following criteria: it is a conservative change, it occurs at a poorly conserved position in the protein, it is predicted to be benign by multiple in silico algorithms, and/or has population frequency not consistent with disease.

NM_182961.4(SYNE1):c.18972+201T>A

Gene: SYNE1 (spectrin repeat containing nuclear envelope protein 1; minus strand). Cytogenetic location: 6q25.2.
Variant type: single nucleotide variant.
Coding change: c.18972+201T>A on transcript NM_182961.4 (MANE Select); 201 bases into the intron after coding-DNA position 18972, T replaced by A.
Molecular consequence: intron variant.
Genome position (GRCh38, 1-based): chr6:152,261,831, A>T on the plus strand (T>A on the coding strand, the complement: SYNE1 is on the minus strand). VCF-style: chr6-152261831-A-T. GRCh37 (hg19) VCF-style: chr6-152582966-A-T.
Other names: c.18759+201T>A (NM_033071.5).
Identifiers: ClinVar variation 672670 (VCV000672670.1), dbSNP rs17082392, ClinGen allele CA150167137.